The following is an entry in ClinVar:

NM_000548.5(TSC2):c.3808A>C (p.Asn1270His)

Gene: TSC2 (TSC complex subunit 2; plus strand). Cytogenetic location: 16p13.3.
Variant type: single nucleotide variant.
Coding change: c.3808A>C on transcript NM_000548.5 (MANE Select); coding-DNA position 3808, A replaced by C.
Protein change: p.Asn1270His; replaces asparagine 1270 with histidine.
Molecular consequence: missense variant.
Genome position (GRCh38, 1-based): chr16:2,081,792, A>C. VCF-style: chr16-2081792-A-C. GRCh37 (hg19) VCF-style: chr16-2131793-A-C.
Other names: c.3676A>C, p.Asn1226His (NM_001077183.3, NM_001370404.1, NM_001406665.1); c.3808A>C, p.Asn1270His (NM_001114382.3); c.3568A>C, p.Asn1190His (NM_001318827.2); c.3532A>C, p.Asn1178His (NM_001318829.2); c.3076A>C, p.Asn1026His (NM_001318831.2, NM_001406687.1, NM_001406688.1); c.3709A>C, p.Asn1237His (NM_001318832.2); c.3679A>C, p.Asn1227His (NM_001363528.2, NM_001370405.1, NM_021055.3); c.3805A>C, p.Asn1269His (NM_001406663.1, NM_001406664.1); and 18 more; short protein forms N1069H, N1177H, N1222H, N1223H, N1257H, N1026H, N1027H, N1178H.
Identifiers: ClinVar variation 1735113 (VCV001735113.8), dbSNP rs2544163886, ClinGen allele CA394293629.
Genomic context (GRCh38, chr16:2,081,792, plus strand): 5'-TACAAGTCACTGTCGGTGCCGGCAGCCAGCACGGCCAAACCCCCTCCTCTGCCTCGCTCC[A>C]ACACAGGTGAGTGGCATGGCGGGCCTTGGCACGGGCTCTGCTCCCACTGGCCTGGTGCTC-3'
Protein context (NP_000539.2, residues 1260-1280): TAKPPPLPRS[Asn1270His]TVASFSSLYQ

ClinVar aggregate classification (germline): Uncertain significance. Review status: criteria provided, multiple submitters, no conflicts (2 of 4 stars). 3 submissions from 3 submitters: Uncertain significance (3). Last evaluated 2025-08-21.

Conditions:
Tuberous sclerosis 2 (TSC2). Identifiers: Orphanet 805, MedGen C1860707, MONDO:0013199, OMIM 613254.
Isolated focal cortical dysplasia type II (FCORD2). Also called: CORTICAL DYSPLASIA OF TAYLOR; Focal cortical dysplasia type II. Identifiers: Orphanet 268994, MedGen C1846385, MONDO:0011818, OMIM 607341, HP:0032051.
Lymphangiomyomatosis (LAM). Also called: Lymphangioleiomyomatosis; Lymphangioleiomyomatosis, somatic. Identifiers: Orphanet 538, MedGen C0751674, MONDO:0011705, OMIM 606690.
Hereditary cancer-predisposing syndrome. Also called: Neoplastic Syndromes, Hereditary; Tumor predisposition; Hereditary Cancer Syndrome; Hereditary neoplastic syndrome. Identifiers: Orphanet 140162, MedGen C0027672, MeSH D009386, MONDO:0015356.

gnomAD v4.1: 1 of 1,612,258 alleles (0.000062%); no homozygotes.

Submissions (3):

Ambry Genetics
Classification: Uncertain significance for Hereditary cancer-predisposing syndrome. Last evaluated: 2025-08-21. Review status: criteria provided, single submitter. Criteria: Ambry Variant Classification Scheme 2023. Collection method: clinical testing. Allele origin: germline.
Comment: The p.N1270H variant (also known as c.3808A>C), located in coding exon 30 of the TSC2 gene, results from an A to C substitution at nucleotide position 3808. The asparagine at codon 1270 is replaced by histidine, an amino acid with similar properties. This amino acid position is highly conserved in available vertebrate species. In addition, the in silico prediction for this alteration is inconclusive. Based on the available evidence, the clinical significance of this variant remains unclear.

Labcorp Genetics (formerly Invitae), Labcorp
Classification: Uncertain significance for Tuberous sclerosis 2. Last evaluated: 2024-10-01. Review status: criteria provided, single submitter. Criteria: Invitae Variant Classification Sherloc (09022015). Collection method: clinical testing. Allele origin: germline.
Comment: This sequence change replaces asparagine, which is neutral and polar, with histidine, which is basic and polar, at codon 1270 of the TSC2 protein (p.Asn1270His). This variant is not present in population databases (gnomAD no frequency). This variant has not been reported in the literature in individuals affected with TSC2-related conditions. ClinVar contains an entry for this variant (Variation ID: 1735113). Invitae Evidence Modeling of protein sequence and biophysical properties (such as structural, functional, and spatial information, amino acid conservation, physicochemical variation, residue mobility, and thermodynamic stability) indicates that this missense variant is not expected to disrupt TSC2 protein function with a negative predictive value of 95%. In summary, the available evidence is currently insufficient to determine the role of this variant in disease. Therefore, it has been classified as a Variant of Uncertain Significance.

Fulgent Genetics
Classification: Uncertain significance for Lymphangiomyomatosis; Isolated focal cortical dysplasia type II; Tuberous sclerosis 2. Last evaluated: 2024-04-12. Review status: criteria provided, single submitter. Criteria: ACMG Guidelines, 2015. Collection method: clinical testing. Allele origin: germline.